The following is an entry in ClinVar:

NM_001395656.1(ROBO2):c.1579G>A (p.Gly527Arg)

Gene: ROBO2 (roundabout guidance receptor 2; plus strand). Cytogenetic location: 3p12.3.
Variant type: single nucleotide variant.
Coding change: c.1579G>A on transcript NM_001395656.1 (MANE Select); coding-DNA position 1579, G replaced by A.
Protein change: p.Gly527Arg; replaces glycine 527 with arginine.
Molecular consequence: missense variant. On other transcripts: 5 prime UTR variant (1).
Genome position (GRCh38, 1-based): chr3:77,563,214, G>A. VCF-style: chr3-77563214-G-A. GRCh37 (hg19) VCF-style: chr3-77612365-G-A.
Other names: c.1615G>A, p.Gly539Arg (NM_001128929.3); c.1579G>A, p.Gly527Arg (NM_001290039.2, NM_001290040.2, NM_001378202.1); c.-352G>A (NM_001290065.2); c.1627G>A, p.Gly543Arg (NM_001378190.1, NM_001378191.1, NM_001378195.1 and 4 more transcripts); c.1648G>A, p.Gly550Arg (NM_001378192.1, NM_001378194.1, NM_001378198.1 and 2 more transcripts); c.1567G>A, p.Gly523Arg (NM_001378193.1, NM_001378197.1, NM_002942.5); c.1636G>A, p.Gly546Arg (NM_001394212.1, NM_001394214.1, NM_001395657.1); short protein forms G523R, G527R, G539R, G543R, G546R, G550R.
Identifiers: ClinVar variation 4748106 (VCV004748106.1).
Genomic context (GRCh38, chr3:77,563,214, plus strand): 5'-CTGTCCTCTATAGAGTCTGGAGCAACAATCAGTAAAAACTATGATTTAAGTGACCTGCCA[G>A]GGCCACCATCCAAACCGCAGGTCACTGATGTTACTAAGAACAGTGTCACCTTGTCCTGGC-3'
Protein context (NP_001382585.1, residues 517-537): SKNYDLSDLP[Gly527Arg]PPSKPQVTDV

ClinVar aggregate classification (germline): Uncertain significance (1 of 4 stars; one submission).

gnomAD v4.1: 115 of 1,613,526 alleles (0.0071%); highest among the groups gnomAD compares: Non-Finnish European, 0.0097%; no homozygotes.

Submission:

Labcorp Genetics (formerly Invitae), Labcorp
Classification: Uncertain significance. Last evaluated: 2026-01-08. Review status: criteria provided, single submitter. Criteria: Invitae Variant Classification Sherloc (09022015). Collection method: clinical testing. Allele origin: germline.
Comment: This sequence change replaces glycine, which is neutral and non-polar, with arginine, which is basic and polar, at codon 523 of the ROBO2 protein (p.Gly523Arg). This variant is present in population databases (rs202043830, gnomAD 0.004%). This variant has not been reported in the literature in individuals affected with ROBO2-related conditions. Invitae Evidence Modeling of protein sequence and biophysical properties (such as structural, functional, and spatial information, amino acid conservation, physicochemical variation, residue mobility, and thermodynamic stability) indicates that this missense variant is not expected to disrupt ROBO2 protein function with a negative predictive value of 95%. In summary, the available evidence is currently insufficient to determine the role of this variant in disease. Therefore, it has been classified as a Variant of Uncertain Significance.